The following is an entry in ClinVar:

NM_033409.4(SLC52A3):c.1278C>T (p.Arg426=)

Gene: SLC52A3 (solute carrier family 52 member 3; minus strand). Cytogenetic location: 20p13.
Variant type: single nucleotide variant.
Coding change: c.1278C>T on transcript NM_033409.4 (MANE Select); coding-DNA position 1278, C replaced by T.
Protein change: p.Arg426=; no amino-acid change (arginine 426 retained).
Molecular consequence: synonymous variant.
Genome position (GRCh38, 1-based): chr20:761,158, G>A on the plus strand (C>T on the coding strand, the complement: SLC52A3 is on the minus strand). VCF-style: chr20-761158-G-A. GRCh37 (hg19) VCF-style: chr20-741802-G-A.
Other names: c.1278C>T, p.Arg426= (NM_001370085.1, NM_001370086.1).
Identifiers: ClinVar variation 476600 (VCV000476600.18), dbSNP rs139137879, ClinGen allele CA9724526.
Genomic context (GRCh38, chr20:761,158, plus strand): 5'-GAGCAGCGCTCCGAGCAGCGAGCCCAGCTGCACCGCCGCCCCGCACCACAAGAGGGCGCT[G>A]CGGCTGAGGTCGCGCAGGACCACGCCCAGCATCACCTTGACGTAACTGAGGCAGCCGCTG-3'
Protein context (NP_212134.3, residues 416-436): MLGVVLRDLS[Arg426=]SALLWCGAAV

ClinVar aggregate classification (germline): Likely benign. Review status: criteria provided, multiple submitters, no conflicts (2 of 4 stars). 4 submissions from 4 submitters: Likely benign (4). Last evaluated 2026-08-04.

Conditions:
SLC52A3-related disorder. Also called: SLC52A3-related condition.
Brown-Vialetto-van Laere syndrome 1. Also called: BROWN-VIALETTO-VAN LAERE SYNDROME 1, MILD; BULBAR PALSY, PROGRESSIVE, WITH SENSORINEURAL DEAFNESS; PONTOBULBAR PALSY WITH DEAFNESS. Identifiers: Orphanet 572550, Orphanet 97229, MedGen C0796274, MONDO:0024537, OMIM 211530.
Inborn genetic diseases. Identifiers: MedGen C0950123, MeSH D030342.

Allele frequency attached by ClinVar (database versions not stated): gnomAD 0.00017; ExAC 0.00008; 1000 Genomes Project 0.00020; gnomAD exomes 0.00011 and 0.00016; 1000 Genomes Project 30x 0.00016; ESP Exome Variant Server 0.00023; TOPMed 0.00017.
gnomAD v4.1: 259 of 1,583,444 alleles (0.016%); highest among the groups gnomAD compares: Non-Finnish European, 0.017%; no homozygotes.

Submissions (4):

PreventionGenetics, part of Exact Sciences
Classification: Likely benign for SLC52A3-related condition. Last evaluated: 2026-08-04. Review status: criteria provided, single submitter. Criteria: ACMG Guidelines, 2015. Collection method: clinical testing. Allele origin: germline.
Comment: This variant is classified as likely benign based on ACMG/AMP sequence variant interpretation guidelines (Richards et al. 2015 PMID: 25741868, with internal and published modifications).

Labcorp Genetics (formerly Invitae), Labcorp
Classification: Likely benign for Brown-Vialetto-van Laere syndrome 1. Last evaluated: 2025-11-03. Review status: criteria provided, single submitter. Criteria: Invitae Variant Classification Sherloc (09022015). Collection method: clinical testing. Allele origin: germline.

GeneDx
Classification: Likely benign. Last evaluated: 2021-02-24. Review status: criteria provided, single submitter. Criteria: GeneDx Variant Classification Process June 2021. Collection method: clinical testing. Allele origin: germline. Affected: yes.

Ambry Genetics
Classification: Likely benign for Inborn genetic diseases. Last evaluated: 2019-07-11. Review status: criteria provided, single submitter. Criteria: Ambry Variant Classification Scheme 2023. Collection method: clinical testing. Allele origin: germline.